The following is an entry in ClinVar:

NM_172107.4(KCNQ2):c.1286G>A (p.Cys429Tyr)

Gene: KCNQ2 (potassium voltage-gated channel subfamily Q member 2; minus strand). Cytogenetic location: 20q13.33.
Variant type: single nucleotide variant.
Coding change: c.1286G>A on transcript NM_172107.4 (MANE Select); coding-DNA position 1286, G replaced by A.
Protein change: p.Cys429Tyr; replaces cysteine 429 with tyrosine.
Molecular consequence: missense variant. On other transcripts: intron variant (3).
Genome position (GRCh38, 1-based): chr20:63,419,634, C>T on the plus strand (G>A on the coding strand, the complement: KCNQ2 is on the minus strand). VCF-style: chr20-63419634-C-T. GRCh37 (hg19) VCF-style: chr20-62050987-C-T.
Other names: c.1218-4508G>A (NM_004518.6); c.1247+4543G>A (NM_172108.5); c.1248-4508G>A (NM_172106.3); short protein forms C429Y.
Identifiers: ClinVar variation 844133 (VCV000844133.11), dbSNP rs1601590761, ClinGen allele CA409648483.

ClinVar aggregate classification (germline): Uncertain significance. Review status: criteria provided, multiple submitters, no conflicts (2 of 4 stars). 2 submissions from 2 submitters: Uncertain significance (2). Last evaluated 2024-11-14.

Conditions:
Early-infantile DEE. Also called: Ohtahara syndrome; Early infantile epileptic encephalopathy with suppression bursts; Early infantile epileptic encephalopathy. Identifiers: Orphanet 1934, MedGen C0393706, MONDO:0800491.

Allele frequency attached by ClinVar (database versions not stated): gnomAD exomes 0.00002.
gnomAD v4.1: 21 of 1,611,462 alleles (0.0013%); highest among the groups gnomAD compares: East Asian, 0.047%; no homozygotes.

Submissions (2):

ARUP Laboratories, Molecular Genetics and Genomics, ARUP Laboratories
Classification: Uncertain significance. Last evaluated: 2024-11-14. Review status: criteria provided, single submitter. Criteria: ARUP Molecular Germline Variant Investigation Process 2024. Collection method: clinical testing. Allele origin: germline.
Comment: The KCNQ2 c.1286G>A; p.Cys429Tyr variant (rs1601590761, ClinVar Variation ID 844133) is reported in the literature in an individual with seizures (He 2014). This variant is absent from the Genome Aggregation Database (v2.1.1), indicating it is not a common polymorphism. Computational analyses are uncertain whether this variant is neutral or deleterious (REVEL: 0.576). Due to limited information, the clinical significance of this variant is uncertain at this time. References: He M et al. Using a combination of whole-exome sequencing and homozygosity mapping to identify a novel mutation of SCARB2. Clin Genet. 2014 Dec. PMID: 24620919.

Labcorp Genetics (formerly Invitae), Labcorp
Classification: Uncertain significance for Early-infantile DEE. Last evaluated: 2022-08-23. Review status: criteria provided, single submitter. Criteria: Invitae Variant Classification Sherloc (09022015). Collection method: clinical testing. Allele origin: germline.
Comment: This sequence change replaces cysteine, which is neutral and slightly polar, with tyrosine, which is neutral and polar, at codon 429 of the KCNQ2 protein (p.Cys429Tyr). This variant is not present in population databases (gnomAD no frequency). This variant has not been reported in the literature in individuals affected with KCNQ2-related conditions. ClinVar contains an entry for this variant (Variation ID: 844133). Algorithms developed to predict the effect of missense changes on protein structure and function (SIFT, PolyPhen-2, Align-GVGD) all suggest that this variant is likely to be tolerated. In summary, the available evidence is currently insufficient to determine the role of this variant in disease. Therefore, it has been classified as a Variant of Uncertain Significance.